The following is an entry in ClinVar:

NM_005739.4(RASGRP1):c.1639A>G (p.Thr547Ala)

Gene: RASGRP1 (RAS guanyl releasing protein 1; minus strand). Cytogenetic location: 15q14.
Variant type: single nucleotide variant.
Coding change: c.1639A>G on transcript NM_005739.4 (MANE Select); coding-DNA position 1639, A replaced by G.
Protein change: p.Thr547Ala; replaces threonine 547 with alanine.
Molecular consequence: missense variant.
Genome position (GRCh38, 1-based): chr15:38,501,187, T>C on the plus strand (A>G on the coding strand, the complement: RASGRP1 is on the minus strand). VCF-style: chr15-38501187-T-C. GRCh37 (hg19) VCF-style: chr15-38793388-T-C.
Other names: c.1534A>G, p.Thr512Ala (NM_001128602.2, NM_001306086.2); short protein forms T512A, T547A.
Identifiers: ClinVar variation 3770915 (VCV003770915.13).
Genomic context (GRCh38, chr15:38,501,187, plus strand): 5'-CCTAAGAACAACTTACAAATCCAGCACAGTTGTCACAAAAAGTGGGCTTCAGGTAGGTGG[T>C]CTCTTGGAAGTTGTGAGGAAAGCCCAGGCCCAGCTTGGAATAGATTGAGCTGGCTCTCAT-3'
Protein context (NP_005730.2, residues 537-557): GLGFPHNFQE[Thr547Ala]TYLKPTFCDN

ClinVar aggregate classification (germline): Uncertain significance (1 of 4 stars; one submission).

Submission:

CeGaT Center for Human Genetics Tuebingen
Classification: Uncertain significance. Last evaluated: 2025-02-01. Review status: criteria provided, single submitter. Criteria: CeGaT Center For Human Genetics Tuebingen Variant Classification Criteria Version 2. Collection method: clinical testing. Allele origin: germline. Affected: yes. Observed: 1 variant allele.
Comment: RASGRP1: PM2, PP3